The following is an entry in ClinVar:

NM_005789.4(PSME3):c.-1C>T

Gene: PSME3 (proteasome activator subunit 3; plus strand). Cytogenetic location: 17q21.31.
Variant type: single nucleotide variant.
Coding change: c.-1C>T on transcript NM_005789.4 (MANE Select); 1 bases upstream of the start codon, C replaced by T.
Molecular consequence: 5 prime UTR variant. On other transcripts: non-coding transcript variant (1).
Genome position (GRCh38, 1-based): chr17:42,833,631, C>T. VCF-style: chr17-42833631-C-T. GRCh37 (hg19) VCF-style: chr17-40985648-C-T.
Other names: c.-295C>T (NM_001267045.2); c.-450C>T (NM_001330229.2); c.-1C>T (NM_176863.3).
Identifiers: ClinVar variation 2647805 (VCV002647805.24), dbSNP rs139945697, ClinGen allele CA8585538.

ClinVar aggregate classification (germline): Benign (1 of 4 stars; one submission).

Allele frequency attached by ClinVar (database versions not stated): 1000 Genomes Project 0.00419; 1000 Genomes Project 30x 0.00437; ExAC 0.00661; gnomAD 0.00868; ESP Exome Variant Server 0.00992; gnomAD exomes 0.01353.

Submission:

CeGaT Center for Human Genetics Tuebingen
Classification: Benign. Last evaluated: 2022-11-01. Review status: criteria provided, single submitter. Criteria: CeGaT Center For Human Genetics Tuebingen Variant Classification Criteria Version 2. Collection method: clinical testing. Allele origin: germline. Affected: yes. Observed: 1 variant allele.
Comment: PSME3: BP4, BS1, BS2